The following is an entry in ClinVar:

ClinVar aggregate classification (germline): Likely benign. Review status: criteria provided, multiple submitters, no conflicts (2 of 4 stars). 4 submissions from 4 submitters: Likely benign (4). Last evaluated 2025-09-10.

Conditions:
Arrhythmogenic right ventricular dysplasia 12. Also called: ARRHYTHMOGENIC RIGHT VENTRICULAR DYSPLASIA, FAMILIAL, 12. Identifiers: MedGen C1969081, MONDO:0012684, OMIM 611528.
Naxos disease (NXD). Also called: CARDIOMYOPATHY, ARRHYTHMOGENIC RIGHT VENTRICULAR, WITH SKIN, HAIR, AND NAIL ABNORMALITIES; KERATOSIS PALMOPLANTARIS WITH ARRHYTHMOGENIC CARDIOMYOPATHY; MAL DE NAXOS; PALMOPLANTAR KERATODERMA WITH ARRHYTHMOGENIC RIGHT VENTRICULAR CARDIOMYOPATHY AND WOOLLY HAIR; WOOLLY HAIR, PALMOPLANTAR KERATODERMA, AND CARDIAC ABNORMALITIES. Identifiers: Orphanet 34217, MedGen C1832600, MONDO:0011017, OMIM 601214.
Cardiovascular phenotype. Identifiers: MedGen CN230736.

Allele frequency attached by ClinVar (database versions not stated): gnomAD exomes 0.00004 and 0.00005; ExAC 0.00005; TOPMed 0.00006; gnomAD 0.00007 and 0.00008.
gnomAD v4.1: 85 of 1,614,028 alleles (0.0053%); highest among the groups gnomAD compares: South Asian, 0.027%; no homozygotes.

Submissions (4):

Labcorp Genetics (formerly Invitae), Labcorp
Classification: Likely benign for Arrhythmogenic right ventricular dysplasia 12; Naxos disease. Last evaluated: 2025-09-10. Review status: criteria provided, single submitter. Criteria: Invitae Variant Classification Sherloc (09022015). Collection method: clinical testing. Allele origin: germline.

Blueprint Genetics
Classification: Likely benign. Last evaluated: 2024-10-28. Review status: criteria provided, single submitter. Criteria: ACMG Guidelines, 2015. Collection method: clinical testing. Allele origin: germline.

Ambry Genetics
Classification: Likely benign for Cardiovascular phenotype. Last evaluated: 2019-07-29. Review status: criteria provided, single submitter. Criteria: Ambry Variant Classification Scheme 2023. Collection method: clinical testing. Allele origin: germline.

Laboratory for Molecular Medicine, Mass General Brigham Personalized Medicine
Classification: Likely benign. Last evaluated: 2012-07-18. Review status: criteria provided, single submitter. Criteria: LMM Criteria. Collection method: clinical testing. Allele origin: germline. Observed: 1 variant allele.
Comment: Tyr297Tyr in exon 5 of JUP: This variant is not expected to have clinical signif icance because it does not alter an amino acid residue and is not located within the spice consensus sequence. Tyr297Tyr in exon 5 of JUP (allele frequency = n /a)

NM_002230.4(JUP):c.891C>T (p.Tyr297=)

Gene: JUP (junction plakoglobin; minus strand). Cytogenetic location: 17q21.2.
Variant type: single nucleotide variant.
Coding change: c.891C>T on transcript NM_002230.4 (MANE Select); coding-DNA position 891, C replaced by T.
Protein change: p.Tyr297=; no amino-acid change (tyrosine 297 retained).
Molecular consequence: synonymous variant.
Genome position (GRCh38, 1-based): chr17:41,767,397, G>A on the plus strand (C>T on the coding strand, the complement: JUP is on the minus strand). VCF-style: chr17-41767397-G-A. GRCh37 (hg19) VCF-style: chr17-39923649-G-A.
Other names: c.891C>T, p.Tyr297= (NM_001352773.2, NM_001352774.2, NM_001352775.2 and 3 more transcripts).
Identifiers: ClinVar variation 45858 (VCV000045858.17), dbSNP rs397517302, ClinGen allele CA137245.